The following is an entry in ClinVar:

ClinVar aggregate classification (germline): Uncertain significance (1 of 4 stars; one submission).

gnomAD v4.1: 10 of 1,611,676 alleles (0.00062%); highest among the groups gnomAD compares: South Asian, 0.0055%; no homozygotes.

Submission:

Labcorp Genetics (formerly Invitae), Labcorp
Classification: Uncertain significance. Last evaluated: 2025-03-01. Review status: criteria provided, single submitter. Criteria: Invitae Variant Classification Sherloc (09022015). Collection method: clinical testing. Allele origin: germline.
Comment: This sequence change replaces arginine, which is basic and polar, with cysteine, which is neutral and slightly polar, at codon 437 of the MAP3K7 protein (p.Arg437Cys). This variant is present in population databases (rs770452435, gnomAD 0.003%). This variant has not been reported in the literature in individuals affected with MAP3K7-related conditions. Invitae Evidence Modeling of protein sequence and biophysical properties (such as structural, functional, and spatial information, amino acid conservation, physicochemical variation, residue mobility, and thermodynamic stability) indicates that this missense variant is expected to disrupt MAP3K7 protein function with a positive predictive value of 95%. In summary, the available evidence is currently insufficient to determine the role of this variant in disease. Therefore, it has been classified as a Variant of Uncertain Significance.

NM_145331.3(MAP3K7):c.1309C>T (p.Arg437Cys)

Gene: MAP3K7 (mitogen-activated protein kinase kinase kinase 7; minus strand). Cytogenetic location: 6q15.
Variant type: single nucleotide variant.
Coding change: c.1309C>T on transcript NM_145331.3 (MANE Select); coding-DNA position 1309, C replaced by T.
Protein change: p.Arg437Cys; replaces arginine 437 with cysteine.
Molecular consequence: missense variant.
Genome position (GRCh38, 1-based): chr6:90,536,384, G>A on the plus strand (C>T on the coding strand, the complement: MAP3K7 is on the minus strand). VCF-style: chr6-90536384-G-A. GRCh37 (hg19) VCF-style: chr6-91246103-G-A.
Other names: c.1228C>T, p.Arg410Cys (NM_003188.4, NM_145333.3); c.1309C>T, p.Arg437Cys (NM_145332.3); short protein forms R410C, R437C.
Identifiers: ClinVar variation 4775596 (VCV004775596.1).
Genomic context (GRCh38, chr6:90,536,384, plus strand): 5'-AATGTTGTCTTACCTGACCAGGTTCTGTTCCAGTTACAGTCAAGTCTTGGATGGATCTAC[G>A]TCTTGGCTGTCCGTTGCCTTTAAAAAGAAGAAAAAAAGTAAAATACTAAAATCTAGTCAA-3'
Protein context (NP_663304.1, residues 427-447): IVISGNGQPR[Arg437Cys]RSIQDLTVTG